The following is an entry in ClinVar:

NM_004526.4(MCM2):c.2144T>C (p.Leu715Pro)

Gene: MCM2 (minichromosome maintenance complex component 2; plus strand). Cytogenetic location: 3q21.3.
Variant type: single nucleotide variant.
Coding change: c.2144T>C on transcript NM_004526.4 (MANE Select); coding-DNA position 2144, T replaced by C.
Protein change: p.Leu715Pro; replaces leucine 715 with proline.
Molecular consequence: missense variant. On other transcripts: non-coding transcript variant (1).
Genome position (GRCh38, 1-based): chr3:127,619,157, T>C. VCF-style: chr3-127619157-T-C. GRCh37 (hg19) VCF-style: chr3-127338000-T-C.
Other names: short protein forms L715P.
Identifiers: ClinVar variation 2696991 (VCV002696991.3), dbSNP rs2473305784, ClinGen allele CA354393571.

ClinVar aggregate classification (germline): Uncertain significance (1 of 4 stars; one submission).

Submission:

Labcorp Genetics (formerly Invitae), Labcorp
Classification: Uncertain significance. Last evaluated: 2023-11-18. Review status: criteria provided, single submitter. Criteria: Invitae Variant Classification Sherloc (09022015). Collection method: clinical testing. Allele origin: germline.
Comment: This sequence change replaces leucine, which is neutral and non-polar, with proline, which is neutral and non-polar, at codon 715 of the MCM2 protein (p.Leu715Pro). This variant is not present in population databases (gnomAD no frequency). This variant has not been reported in the literature in individuals affected with MCM2-related conditions. Advanced modeling of protein sequence and biophysical properties (such as structural, functional, and spatial information, amino acid conservation, physicochemical variation, residue mobility, and thermodynamic stability) has been performed at Invitae for this missense variant, however the output from this modeling did not meet the statistical confidence thresholds required to predict the impact of this variant on MCM2 protein function. In summary, the available evidence is currently insufficient to determine the role of this variant in disease. Therefore, it has been classified as a Variant of Uncertain Significance.